The following is an entry in ClinVar:

NM_001953.5(TYMP):c.784C>G (p.Leu262Val)

Gene: TYMP (thymidine phosphorylase; minus strand). Cytogenetic location: 22q13.33.
Variant type: single nucleotide variant.
Coding change: c.784C>G on transcript NM_001953.5 (MANE Select); coding-DNA position 784, C replaced by G.
Protein change: p.Leu262Val; replaces leucine 262 with valine.
Molecular consequence: missense variant.
Genome position (GRCh38, 1-based): chr22:50,526,720, G>C on the plus strand (C>G on the coding strand, the complement: TYMP is on the minus strand). VCF-style: chr22-50526720-G-C. GRCh37 (hg19) VCF-style: chr22-50965149-G-C.
Other names: c.784C>G, p.Leu262Val (NM_001113755.3, NM_001113756.3, NM_001257988.1 and 1 more transcripts); short protein forms L262V.
Identifiers: ClinVar variation 1951506 (VCV001951506.2), dbSNP rs762409331, ClinGen allele CA10321558.
Genomic context (GRCh38, chr22:50,526,720, plus strand): 5'-CCACGCAGCGACCCAGGGGCTTGTCCATGGCGGTCAGCGCTGCCGCGACCCGAAGCCCTA[G>C]GCTGGCTCCCACGCCAACCTGCGGAGAGGAGGCTCAGCGTGGACCCCCCATGGCGGGGCC-3'
Protein context (NP_001944.1, residues 252-272): AKTLVGVGAS[Leu262Val]GLRVAAALTA

ClinVar aggregate classification (germline): Uncertain significance (1 of 4 stars; one submission).

Submission:

Labcorp Genetics (formerly Invitae), Labcorp
Classification: Uncertain significance. Last evaluated: 2022-04-25. Review status: criteria provided, single submitter. Criteria: Invitae Variant Classification Sherloc (09022015). Collection method: clinical testing. Allele origin: germline.
Comment: This sequence change replaces leucine, which is neutral and non-polar, with valine, which is neutral and non-polar, at codon 262 of the TYMP protein (p.Leu262Val). This variant is present in population databases (rs762409331, gnomAD 0.004%). This variant has not been reported in the literature in individuals affected with TYMP-related conditions. Advanced modeling of protein sequence and biophysical properties (such as structural, functional, and spatial information, amino acid conservation, physicochemical variation, residue mobility, and thermodynamic stability) performed at Invitae indicates that this missense variant is not expected to disrupt TYMP protein function. In summary, the available evidence is currently insufficient to determine the role of this variant in disease. Therefore, it has been classified as a Variant of Uncertain Significance.